The following is an entry in ClinVar:

ClinVar aggregate classification (germline): Likely benign. Review status: criteria provided, multiple submitters, no conflicts (2 of 4 stars). 3 submissions from 3 submitters: Likely benign (3). Last evaluated 2026-06-29.

Conditions:
EXOSC2-related disorder. Also called: EXOSC2-related condition.

Allele frequency attached by ClinVar (database versions not stated): gnomAD 0.00015 and 0.00021; TOPMed 0.00022; ExAC 0.00038; gnomAD exomes 0.00042; 1000 Genomes Project 30x 0.00109; 1000 Genomes Project 0.00120.
gnomAD v4.1: 228 of 1,614,154 alleles (0.014%); highest among the groups gnomAD compares: East Asian, 0.3%; no homozygotes.

Submissions (3):

PreventionGenetics, part of Exact Sciences
Classification: Likely benign for EXOSC2-related condition. Last evaluated: 2026-06-29. Review status: criteria provided, single submitter. Criteria: ACMG Guidelines, 2015. Collection method: clinical testing. Allele origin: germline.
Comment: This variant is classified as likely benign based on ACMG/AMP sequence variant interpretation guidelines (Richards et al. 2015 PMID: 25741868, with internal and published modifications).

Labcorp Genetics (formerly Invitae), Labcorp
Classification: Likely benign. Last evaluated: 2025-11-01. Review status: criteria provided, single submitter. Criteria: Invitae Variant Classification Sherloc (09022015). Collection method: clinical testing. Allele origin: germline.

Blueprint Genetics
Classification: Likely benign. Last evaluated: 2024-08-11. Review status: criteria provided, single submitter. Criteria: ACMG Guidelines, 2015. Collection method: clinical testing. Allele origin: germline.

NM_014285.7(EXOSC2):c.310C>A (p.Leu104Met)

Gene: EXOSC2 (exosome component 2; plus strand). Cytogenetic location: 9q34.12.
Variant type: single nucleotide variant.
Coding change: c.310C>A on transcript NM_014285.7 (MANE Select); coding-DNA position 310, C replaced by A.
Protein change: p.Leu104Met; replaces leucine 104 with methionine.
Molecular consequence: missense variant. On other transcripts: non-coding transcript variant (1), intron variant (1).
Genome position (GRCh38, 1-based): chr9:130,698,201, C>A. VCF-style: chr9-130698201-C-A. GRCh37 (hg19) VCF-style: chr9-133573588-C-A.
Other names: c.310C>A, p.Leu104Met (NM_001282708.1); c.270+574C>A (NM_001282709.1); short protein forms L104M.
Identifiers: ClinVar variation 728673 (VCV000728673.13), dbSNP rs201749338, ClinGen allele CA5284817.